The following is an entry in ClinVar:

NM_000443.4(ABCB4):c.1091C>T (p.Ala364Val)

Gene: ABCB4 (ATP binding cassette subfamily B member 4; minus strand). Cytogenetic location: 7q21.12.
Variant type: single nucleotide variant.
Coding change: c.1091C>T on transcript NM_000443.4 (MANE Select); coding-DNA position 1091, C replaced by T.
Protein change: p.Ala364Val; replaces alanine 364 with valine.
Molecular consequence: missense variant.
Genome position (GRCh38, 1-based): chr7:87,444,890, G>A on the plus strand (C>T on the coding strand, the complement: ABCB4 is on the minus strand). VCF-style: chr7-87444890-G-A. GRCh37 (hg19) VCF-style: chr7-87074206-G-A.
Other names: c.1091C>T, p.Ala364Val (NM_018849.3, NM_018850.3); short protein forms A364V.
Identifiers: ClinVar variation 3377141 (VCV003377141.4).

ClinVar aggregate classification (germline): Uncertain significance. Review status: criteria provided, multiple submitters, no conflicts (2 of 4 stars). 2 submissions from 2 submitters: Uncertain significance (2). Last evaluated 2026-04-14.

Conditions:
Familial intrahepatic cholestasis. Identifiers: Orphanet 284385, MedGen CN296401, MONDO:0017290.
Low phospholipid associated cholelithiasis (GBD1). Also called: Gallstone cholecystitis; Gallbladder disease 1. Identifiers: Orphanet 69663, MedGen C2609268, MONDO:0010939, OMIM 600803.

Submissions (2):

Genomenon, Inc
Classification: Uncertain significance for Familial intrahepatic cholestasis. Last evaluated: 2026-04-14. Review status: criteria provided, single submitter. Criteria: Genomenon Sequence Variant Interpretation Standards - Updated. Collection method: curation. Allele origin: germline. Affected: yes.
Comment: ABCB4 p.Ala364Val (c.1091C>T) is a missense variant that changes the amino acid at residue 364 from Alanine to Valine. This variant has been observed in at least one proband with an ABCB4-related disorder (PMID:29238877;21119540). Functional studies have been reported (PMID:27256251). It is absent or not present at a significant frequency in gnomAD. In silico models predict that this variant is possibly or probably damaging. In conclusion, we classify ABCB4 p.Ala364Val (c.1091C>T) as a variant of uncertain significance.

Victorian Clinical Genetics Services, Murdoch Childrens Research Institute
Classification: Uncertain significance for Low phospholipid associated cholelithiasis. Last evaluated: 2025-01-13. Review status: criteria provided, single submitter. Criteria: ACMG Guidelines, 2015. Collection method: clinical testing. Allele origin: germline. Affected: yes.
Comment: This variant is classified as VUS-3A. Evidence in support of pathogenic classification: Variant is absent from gnomAD (v2, v3 and v4); This variant has limited previous evidence of pathogenicity in unrelated individuals. This variant has moderate functional evidence supporting abnormal protein function. Expression of the A364V product increased with the inhibition of proteasomal proteolysis and lysosomal degradation (mechanisms that typically target proteins with trafficking defects) compared to the wild type controls (PMID: 27256251); Strong phenotype match for this individual. Additional information: Variant is predicted to result in a missense amino acid change from alanine to valine; This variant is heterozygous; This gene is associated with both recessive and dominant disease. PFIC is inherited in a recessive manner, whereas ICP-3 and LPAC can be either dominant or recessive. Biallelic variants typically demonstrate less residual protein activity, resulting in earlier onset of the condition with a more severe phenotype (OMIM, PMIDs: 24806754, 32376413); No published segregation evidence has been identified for this variant; No comparable missense variants have previous evidence for pathogenicity; Variant is located in the annotated ICD3 domain (PMID: 17726488); Missense variant with conflicting in silico predictions and high conservation; Loss of function is a known mechanism of disease in this gene and is associated with intrahepatic cholestasis of pregnancy 3 (ICP-3) (MIM#614972), gallbladder disease 1 (low phospholipid-associated cholelithiasis (LPAC)) (MIM# 600803) and progressive familial intrahepatic cholestasis 3 (PFIC) (MIM#602347); Inheritance information for this variant is not currently available in this individual.

Literature cited by the submitters: PubMed 29238877 (cited by Genomenon, Inc); PubMed 21119540 (cited by Genomenon, Inc); PubMed 27256251 (cited by Genomenon, Inc and Victorian Clinical Genetics Services, Murdoch Childrens Research Institute); PubMed 32376413 (cited by Victorian Clinical Genetics Services, Murdoch Childrens Research Institute); PubMed 24806754 (cited by Victorian Clinical Genetics Services, Murdoch Childrens Research Institute); PubMed 17726488 (cited by Victorian Clinical Genetics Services, Murdoch Childrens Research Institute).